The following is an entry in ClinVar:

ClinVar aggregate classification (germline): Uncertain significance. Review status: criteria provided, single submitter (1 of 4 stars). 2 submissions from 2 submitters: Uncertain significance (1). 1 of the submissions does not count toward it. Last evaluated 2022-04-16.

Conditions:
Joubert syndrome. Also called: CEREBELLOPARENCHYMAL DISORDER IV; JOUBERT-BOLTSHAUSER SYNDROME; Familial aplasia of the vermis. Identifiers: Orphanet 475, MedGen C5979921, MONDO:0018772.
Meckel-Gruber syndrome. Also called: DYSENCEPHALIA SPLANCHNOCYSTICA; GRUBER SYNDROME; Dysencephalia splachnocystica. Identifiers: Orphanet 564, MedGen C0265215, MONDO:0018921.

Allele frequency attached by ClinVar (database versions not stated): TOPMed 0.00001.
gnomAD v4.1: 1 of 1,614,216 alleles (0.000062%); no homozygotes.

Submissions (2):

Labcorp Genetics (formerly Invitae), Labcorp
Classification: Uncertain significance for Joubert syndrome; Meckel-Gruber syndrome. Last evaluated: 2022-04-16. Review status: criteria provided, single submitter. Criteria: Invitae Variant Classification Sherloc (09022015). Collection method: clinical testing. Allele origin: germline.
Comment: In summary, the available evidence is currently insufficient to determine the role of this variant in disease. Therefore, it has been classified as a Variant of Uncertain Significance. Algorithms developed to predict the effect of missense changes on protein structure and function output the following: SIFT: "Tolerated"; PolyPhen-2: "Benign"; Align-GVGD: "Class C0". The arginine amino acid residue is found in multiple mammalian species, which suggests that this missense change does not adversely affect protein function. This variant has not been reported in the literature in individuals affected with RPGRIP1L-related conditions. This variant is not present in population databases (gnomAD no frequency). This sequence change replaces histidine, which is basic and polar, with arginine, which is basic and polar, at codon 652 of the RPGRIP1L protein (p.His652Arg).

Natera, Inc.
Classification: Uncertain significance for Joubert syndrome. Last evaluated: 2025-02-28. Review status: no assertion criteria provided. Collection method: clinical testing. Allele origin: germline. Not counted in ClinVar's aggregate classification.

NM_015272.5(RPGRIP1L):c.1955A>G (p.His652Arg)

Gene: RPGRIP1L (RPGRIP1 like; minus strand). Cytogenetic location: 16q12.2.
Variant type: single nucleotide variant.
Coding change: c.1955A>G on transcript NM_015272.5 (MANE Select); coding-DNA position 1955, A replaced by G.
Protein change: p.His652Arg; replaces histidine 652 with arginine.
Molecular consequence: missense variant.
Genome position (GRCh38, 1-based): chr16:53,652,732, T>C on the plus strand (A>G on the coding strand, the complement: RPGRIP1L is on the minus strand). VCF-style: chr16-53652732-T-C. GRCh37 (hg19) VCF-style: chr16-53686644-T-C.
Other names: c.1955A>G (NM_015272.4); c.1955A>G, p.His652Arg (NM_001127897.4, NM_001308334.3, NM_001330538.2); short protein forms H652R.
Identifiers: ClinVar variation 1926684 (VCV001926684.6), dbSNP rs1404075819, ClinGen allele CA395916964.